The following is an entry in ClinVar:

ClinVar aggregate classification (germline): Uncertain significance. Review status: criteria provided, multiple submitters, no conflicts (2 of 4 stars). 4 submissions from 4 submitters: Uncertain significance (4). Last evaluated 2025-11-18.

Conditions:
Hereditary cancer-predisposing syndrome. Also called: Tumor predisposition; Hereditary Cancer Syndrome; Neoplastic Syndromes, Hereditary; Hereditary neoplastic syndrome. Identifiers: Orphanet 140162, MedGen C0027672, MeSH D009386, MONDO:0015356.
Hereditary breast ovarian cancer syndrome. Also called: BRCA1- and BRCA2-Associated Hereditary Breast and Ovarian Cancer; Hereditary breast and ovarian cancer syndrome; Hereditary breast and ovarian cancer; Hereditary breast and ovarian cancer syndrome (HBOC); Hereditary breast and/or ovarian cancer syndrome; Breast and ovarian cancer. Identifiers: Orphanet 145, MedGen C0677776, MeSH D061325, MONDO:0003582. Disease mechanism: loss of function.

Submissions (4):

Color Diagnostics, LLC DBA Color Health
Classification: Uncertain significance for Hereditary cancer-predisposing syndrome. Last evaluated: 2025-11-18. Review status: criteria provided, single submitter. Criteria: ACMG Guidelines, 2015. Collection method: clinical testing. Allele origin: germline.
Comment: This variant causes an in-frame deletion of lysine at codon 1026 in the BRCA2 protein. To our knowledge, functional studies have not been reported for this variant. This variant has not been reported in individuals affected with hereditary cancer in the literature. This variant has not been identified in the general population by the Genome Aggregation Database (gnomAD). The available evidence is insufficient to determine the role of this variant in disease conclusively. Therefore, this variant is classified as a Variant of Uncertain Significance.

Labcorp Genetics (formerly Invitae), Labcorp
Classification: Uncertain significance for Hereditary breast ovarian cancer syndrome. Last evaluated: 2025-03-31. Review status: criteria provided, single submitter. Criteria: Invitae Variant Classification Sherloc (09022015). Collection method: clinical testing. Allele origin: germline.
Comment: This variant, c.3077_3079del, results in the deletion of 1 amino acid(s) of the BRCA2 protein (p.Lys1026del), but otherwise preserves the integrity of the reading frame. This variant is not present in population databases (gnomAD no frequency). This variant has not been reported in the literature in individuals affected with BRCA2-related conditions. ClinVar contains an entry for this variant (Variation ID: 619802). Experimental studies and prediction algorithms are not available or were not evaluated, and the functional significance of this variant is currently unknown. In summary, the available evidence is currently insufficient to determine the role of this variant in disease. Therefore, it has been classified as a Variant of Uncertain Significance.

Quest Diagnostics Nichols Institute San Juan Capistrano
Classification: Uncertain significance. Last evaluated: 2022-12-07. Review status: criteria provided, single submitter. Criteria: Quest Diagnostics criteria. Collection method: clinical testing. Allele origin: unknown.
Comment: The variant has not been reported in the published literature. The frequency of this variant in the general population, 0.000004 (1/250062 chromosomes), is uninformative in assessment of its pathogenicity. Based on the available information, we are unable to determine the clinical significance of this variant.

Ambry Genetics
Classification: Uncertain significance for Hereditary cancer-predisposing syndrome. Last evaluated: 2021-10-06. Review status: criteria provided, single submitter. Criteria: Ambry Variant Classification Scheme 2023. Collection method: clinical testing. Allele origin: germline.
Comment: The c.3077_3079delAGA variant (also known as p.K1026del) is located in coding exon 10 of the BRCA2 gene. This variant results from an in-frame AGA deletion at nucleotide positions 3077 to 3079. This results in the in-frame deletion of a lysine at codon 1026. This amino acid position is highly conserved in available vertebrate species. In addition, this alteration is predicted to be deleterious by in silico analysis (Choi Y et al. PLoS ONE. 2012; 7(10):e46688). Since supporting evidence is limited at this time, the clinical significance of this alteration remains unclear.

NM_000059.4(BRCA2):c.3074AGA[1] (p.Lys1026del)

Gene: BRCA2 (BRCA2 DNA repair associated; plus strand). Cytogenetic location: 13q13.1.
Variant type: Microsatellite.
Coding change: c.3074AGA[1] on transcript NM_000059.4 (MANE Select); one copy of the 3-base unit AGA starting at c.3074; the reference has two copies in a row; one copy, 3 bases deleted; also written c.3077_3079del.
Protein change: p.Lys1026del; deletes lysine 1026.
Molecular consequence: inframe deletion.
Genome position (GRCh38, 1-based): chr13:32,337,432-32,337,434, AGA deleted; deleting any 3 consecutive bases within chr13:32,337,428-32,337,434 gives the same sequence; the position shown is the placement nearest the transcript's 3' end. VCF-style (leftmost placement, unchanged base first): chr13-32337427-TAAG-T. GRCh37 (hg19) VCF-style: chr13-32911564-TAAG-T.
Other names: c.3077_3079del (NM_000059.3, NM_000059.4); short protein forms K1026del.
Identifiers: ClinVar variation 619802 (VCV000619802.16), dbSNP rs1342774938, ClinGen allele CA913190905.